The following is an entry in ClinVar:

NM_004006.3(DMD):c.6913-3759G>C

Gene: DMD (dystrophin; minus strand). Cytogenetic location: Xp21.1.
Variant type: single nucleotide variant.
Coding change: c.6913-3759G>C on transcript NM_004006.3 (MANE Select); 3759 bases into the intron before coding-DNA position 6913, G replaced by C.
Molecular consequence: intron variant.
Genome position (GRCh38, 1-based): chrX:31,879,132, C>G on the plus strand (G>C on the coding strand, the complement: DMD is on the minus strand). VCF-style: chrX-31879132-C-G. GRCh37 (hg19) VCF-style: chrX-31897249-C-G.
Other names: c.6889-3759G>C (NM_000109.4); c.2890-3759G>C (NM_004011.4); c.2881-3759G>C (NM_004012.4); c.-468-3759G>C (NM_004023.3, NM_004020.4, NM_004022.3 and 2 more transcripts); c.6901-3759G>C (NM_004009.3); c.6544-3759G>C (NM_004010.3).
Identifiers: ClinVar variation 673654 (VCV000673654.1), dbSNP rs148295886, ClinGen allele CA15058109.

ClinVar aggregate classification (germline): Benign (1 of 4 stars; one submission).

Allele frequency attached by ClinVar (database versions not stated): 1000 Genomes Project 0.03205; 1000 Genomes Project 30x 0.03309; TOPMed 0.06146; gnomAD 0.07008 and 0.07086.
gnomAD v4.1: 7,492 of 107,243 alleles (7%); highest among the groups gnomAD compares: Non-Finnish European, 11%; 259 homozygotes.

Submission:

GeneDx
Classification: Benign. Last evaluated: 2018-06-14. Review status: criteria provided, single submitter. Criteria: GeneDx Variant Classification (06012015). Collection method: clinical testing. Allele origin: germline. Affected: yes.
Comment: This variant is considered likely benign or benign based on one or more of the following criteria: it is a conservative change, it occurs at a poorly conserved position in the protein, it is predicted to be benign by multiple in silico algorithms, and/or has population frequency not consistent with disease.